The following is an entry in ClinVar:

NM_016373.4(WWOX):c.563G>A (p.Arg188His)

Gene: WWOX (WW domain containing oxidoreductase; plus strand). Cytogenetic location: 16q23.1.
Variant type: single nucleotide variant.
Coding change: c.563G>A on transcript NM_016373.4 (MANE Select); coding-DNA position 563, G replaced by A.
Protein change: p.Arg188His; replaces arginine 188 with histidine.
Molecular consequence: missense variant.
Genome position (GRCh38, 1-based): chr16:78,386,906, G>A. VCF-style: chr16-78386906-G-A. GRCh37 (hg19) VCF-style: chr16-78420803-G-A.
Other names: c.224G>A, p.Arg75His (NM_001291997.2); short protein forms R188H, R75H.
Identifiers: ClinVar variation 845315 (VCV000845315.13), dbSNP rs771163284, ClinGen allele CA8183336.

ClinVar aggregate classification (germline): Uncertain significance. Review status: criteria provided, multiple submitters, no conflicts (2 of 4 stars). 5 submissions from 5 submitters: Uncertain significance (5). Last evaluated 2025-11-20.

Conditions:
Developmental and epileptic encephalopathy, 1 (DEE1). Also called: Epileptic encephalopathy, early infantile, 1; Tonic spasms with clustering, arrest of psychomotor development and hypsarrhythmia on EEG; X-Linked Infantile Spasm Syndrome; X-linked infantile spasms; West's syndrome; OHTAHARA SYNDROME, X-LINKED. Identifiers: MedGen C3463992, MONDO:0010632, OMIM 308350. Disease mechanism: loss of function.
Autosomal recessive spinocerebellar ataxia 12. Also called: SPINOCEREBELLAR ATAXIA WITH MENTAL RETARDATION AND EPILEPSY. Identifiers: Orphanet 284282, MedGen C3280452, MONDO:0013687, OMIM 614322.
Inborn genetic diseases. Identifiers: MedGen C0950123, MeSH D030342.

Allele frequency attached by ClinVar (database versions not stated): TOPMed 0.00002; ExAC 0.00003; gnomAD exomes 0.00003.

Submissions (5):

GeneDx
Classification: Uncertain significance. Last evaluated: 2025-11-20. Review status: criteria provided, single submitter. Criteria: GeneDx Variant Classification Process June 2021. Collection method: clinical testing. Allele origin: germline. Affected: yes.
Comment: Not observed at significant frequency in large population cohorts (gnomAD); In silico analysis suggests that this missense variant does not alter protein structure/function; Has not been previously published as pathogenic or benign to our knowledge; This variant is associated with the following publications: (PMID: 25411445)

Blueprint Genetics
Classification: Uncertain significance. Last evaluated: 2024-11-26. Review status: criteria provided, single submitter. Criteria: ACMG Guidelines, 2015. Collection method: clinical testing. Allele origin: germline.

Ambry Genetics
Classification: Uncertain significance for Inborn genetic diseases. Last evaluated: 2024-03-08. Review status: criteria provided, single submitter. Criteria: Ambry Variant Classification Scheme 2023. Collection method: clinical testing. Allele origin: germline.

Labcorp Genetics (formerly Invitae), Labcorp
Classification: Uncertain significance for Developmental and epileptic encephalopathy, 1; Autosomal recessive spinocerebellar ataxia 12. Last evaluated: 2022-08-20. Review status: criteria provided, single submitter. Criteria: Invitae Variant Classification Sherloc (09022015). Collection method: clinical testing. Allele origin: germline.
Comment: This sequence change replaces arginine, which is basic and polar, with histidine, which is basic and polar, at codon 188 of the WWOX protein (p.Arg188His). This variant is present in population databases (rs771163284, gnomAD 0.01%). This variant has not been reported in the literature in individuals affected with WWOX-related conditions. ClinVar contains an entry for this variant (Variation ID: 845315). Algorithms developed to predict the effect of missense changes on protein structure and function output the following: SIFT: "Not Available"; PolyPhen-2: "Benign"; Align-GVGD: "Not Available". The histidine amino acid residue is found in multiple mammalian species, which suggests that this missense change does not adversely affect protein function. In summary, the available evidence is currently insufficient to determine the role of this variant in disease. Therefore, it has been classified as a Variant of Uncertain Significance.

Revvity Omics, Revvity
Classification: Uncertain significance. Last evaluated: 2019-06-28. Review status: criteria provided, single submitter. Criteria: ACMG Guidelines, 2015. Collection method: clinical testing. Allele origin: germline.